The following is an entry in ClinVar:

ClinVar aggregate classification (germline): Pathogenic. Review status: reviewed by expert panel (3 of 4 stars). 3 submissions from 3 submitters: Pathogenic (1). 2 of the submissions do not count toward it. Last evaluated 2016-09-08.

Conditions:
Breast-ovarian cancer, familial, susceptibility to, 1 (BROVCA1). Also called: BRCA1 Hereditary Breast and Ovarian Cancer; OVARIAN CANCER, SUSCEPTIBILITY TO. Identifiers: Orphanet 145, MedGen C2676676, MONDO:0011450, OMIM 604370. Disease mechanism: loss of function.

Submissions (3):

Evidence-based Network for the Interpretation of Germline Mutant Alleles (ENIGMA)
Classification: Pathogenic for Breast-ovarian cancer, familial, susceptibility to, 1. Last evaluated: 2016-09-08. Review status: reviewed by expert panel. Criteria: ENIGMA BRCA1/2 Classification Criteria (2015). Collection method: curation. Allele origin: germline.
Comment: Variant allele predicted to encode a truncated non-functional protein.

OMIM
Classification: Pathogenic for BREAST-OVARIAN CANCER, FAMILIAL, SUSCEPTIBILITY TO, 1. Last evaluated: 1994-12-01. Review status: no assertion criteria provided. Collection method: literature only. Allele origin: germline. Not counted in ClinVar's aggregate classification.

Breast Cancer Information Core (BIC) (BRCA1)
Classification: Pathogenic for Breast-ovarian cancer, familial 1. Review status: no assertion criteria provided. Collection method: clinical testing. Allele origin: germline. Affected: yes. Observed: 1 variant allele. Not counted in ClinVar's aggregate classification.

Literature cited by the submitters: PubMed 7894491 (cited by OMIM).

NM_007294.4(BRCA1):c.4966_4984del (p.Gly1656fs)

Gene: BRCA1 (BRCA1 DNA repair associated; minus strand). Cytogenetic location: 17q21.31.
Variant type: Deletion.
Coding change: c.4966_4984del on transcript NM_007294.4 (MANE Select); coding-DNA positions 4966 to 4984, 19 bases deleted (GGCCTGACCCCAGAAGAAT).
Protein change: p.Gly1656fs; shifts the reading frame from glycine 1656.
Molecular consequence: frameshift variant. On other transcripts: non-coding transcript variant (1).
Genome position (GRCh38, 1-based): chr17:43,070,930-43,070,948, ATTCTTCTGGGGTCAGGCC deleted on the plus strand (GGCCTGACCCCAGAAGAAT on the coding strand, the reverse complement: BRCA1 is on the minus strand); deleting any 19 consecutive bases within chr17:43,070,930-43,070,949 gives the same sequence; the c. name uses the placement nearest the transcript's 3' end. VCF-style (leftmost placement, unchanged base first): chr17-43070929-AATTCTTCTGGGGTCAGGCC-A. GRCh37 (hg19) VCF-style: chr17-41222946-AATTCTTCTGGGGTCAGGCC-A.
Other names: 5085del19; c.4966_4984del (U14680.1); c.4966_4984delGGCCTGACCCCAGAAGAAT (NM_007294.3); c.4824_4842del19, p.Gly1609Leufs (NM_001407696.1, NM_001407697.1, NM_001407698.1 and 12 more transcripts); c.4821_4839del19, p.Gly1608Leufs (NM_001407732.1, NM_001407733.1, NM_001407734.1 and 21 more transcripts); c.4818_4836del19, p.Gly1607Leufs (NM_001407838.1, NM_001407839.1, NM_001407841.1 and 12 more transcripts); c.4965_4983del19, p.Gly1656Leufs (NM_001407854.1, NM_001407593.1, NM_001407594.1 and 8 more transcripts); c.4962_4980del19, p.Gly1655Leufs (NM_001407858.1, NM_001407859.1, NM_001407860.1 and 17 more transcripts); and 76 more; short protein forms G1609fs, G1677fs, G552fs, G1656fs.
Identifiers: ClinVar variation 17679 (VCV000017679.4), dbSNP rs80359884, ClinGen allele CA003113.